The following is an entry in ClinVar:

ClinVar aggregate classification (germline): Pathogenic (0 of 4 stars; one submission).

Conditions:
Pyruvate dehydrogenase E1-alpha deficiency (PDHAD). Also called: ATAXIA, INTERMITTENT, WITH PYRUVATE DEHYDROGENASE DEFICIENCY; ATAXIA WITH LACTIC ACIDOSIS I; ATAXIA, INTERMITTENT, WITH ABNORMAL PYRUVATE METABOLISM; Ataxia, intermittent, with pyruvate dehydrogenase, or decarboxylase, deficiency. Identifiers: Orphanet 79243, MedGen C1839413, MONDO:0010717, OMIM 312170.

Submission:

PDHA1 Study Group, University Children’s Hospital, Paracelsus Medical University
Classification: Pathogenic for Pyruvate dehydrogenase E1-alpha deficiency. Last evaluated: 2024-10-15. Review status: no assertion criteria provided. Collection method: research. Allele origin: germline. Affected: yes. Observed: 1 variant allele.
Comment: The NM_000284.3:c.966_969del (p.Asp322GlufsTer3) change is a frameshift variant in PDHA1 gene. This variant is predicted to escape nonsense-mediated decay (NMD). Last literature search: July 12, 2024. This variant is absent or extremely rare in population-based cohorts in the Genome Aggregation Database (gnomAD). Individuals harboring this variant presented with clinical features compatible with PDHA1-related PDHc deficiency. In summary, this variant meets criteria to be classified as pathogenic (P) for PDHA1-related PDHc deficiency based on the ACMG/AMP criteria applied: PVS1, PS3, PM2, PM7 (last assessment October 15, 2024).

Literature cited by the submitters: DOI 10.1093/brain/awaf430.

NM_000284.4(PDHA1):c.966_969del (p.Asp322fs)

Gene: PDHA1 (pyruvate dehydrogenase E1 subunit alpha 1; plus strand). Cytogenetic location: Xp22.12.
Variant type: Deletion.
Coding change: c.966_969del on transcript NM_000284.4 (MANE Select); coding-DNA positions 966 to 969, 4 bases deleted (CAGG; older notation c.966_969delCAGG).
Protein change: p.Asp322fs; shifts the reading frame from aspartic acid 322.
Molecular consequence: frameshift variant.
Genome position (GRCh38, 1-based): chrX:19,358,982-19,358,985, CAGG deleted. VCF-style (leftmost placement, unchanged base first): chrX-19358981-ACAGG-A. GRCh37 (hg19) VCF-style: chrX-19377099-ACAGG-A.
Other names: c.1080_1083del, p.Asp360fs (NM_001173454.2); c.987_990del, p.Asp329fs (NM_001173455.2); c.873_876del, p.Asp291fs (NM_001173456.2); short protein forms D291fs, D322fs, D329fs, D360fs.
Identifiers: ClinVar variation 4070415 (VCV004070415.1).